The following is an entry in ClinVar:

NM_001378030.1(CCDC78):c.275G>T (p.Arg92Leu)

Gene: CCDC78 (coiled-coil domain containing 78; minus strand). Cytogenetic location: 16p13.3.
Variant type: single nucleotide variant.
Coding change: c.275G>T on transcript NM_001378030.1 (MANE Select); coding-DNA position 275, G replaced by T.
Protein change: p.Arg92Leu; replaces arginine 92 with leucine.
Molecular consequence: missense variant. On other transcripts: non-coding transcript variant (5), intron variant (1).
Genome position (GRCh38, 1-based): chr16:725,573, C>A on the plus strand (G>T on the coding strand, the complement: CCDC78 is on the minus strand). VCF-style: chr16-725573-C-A. GRCh37 (hg19) VCF-style: chr16-775573-C-A.
Other names: c.275G>T, p.Arg92Leu (NM_001031737.3, NM_001378031.1); c.-19+221G>T (NM_001378033.1); short protein forms R92L.
Identifiers: ClinVar variation 3629630 (VCV003629630.1).
Genomic context (GRCh38, chr16:725,573, plus strand): 5'-GCACAGCCCTGGCTGGTGCCATCTCCTCGCAGCTCCAGCTCCAGTACCCGGCTCTCCAGC[C>A]GAAGGATCTGTGGGACAACTGGCATGAGCAGGTGCACCTGCCCGCGGGCCACCTGGGGTA-3'
Protein context (NP_001364959.1, residues 82-102): EIFQLKSEIL[Arg92Leu]LESRVLELEL

ClinVar aggregate classification (germline): Uncertain significance (1 of 4 stars; one submission).

gnomAD v4.1: 7 of 1,607,758 alleles (0.00044%); highest among the groups gnomAD compares: Non-Finnish European, 0.00059%; no homozygotes.

Submission:

Women's Health and Genetics/Laboratory Corporation of America, LabCorp
Classification: Uncertain significance. Last evaluated: 2024-11-14. Review status: criteria provided, single submitter. Criteria: LabCorp Variant Classification Summary - May 2015. Collection method: clinical testing. Allele origin: germline.
Comment: Variant summary: CCDC78 c.275G>T (p.Arg92Leu) results in a non-conservative amino acid change located in the Domain of unknown function DUF4472 (IPR029329) of the encoded protein sequence. Four of five in-silico tools predict a benign effect of the variant on protein function. The variant allele was found at a frequency of 4.4e-06 in 1600786 control chromosomes in the gnomAD database (v4.1 dataset). The available data on variant occurrences in the general population are insufficient to allow any conclusion about variant significance. To our knowledge, no occurrence of c.275G>T in individuals affected with Congenital Myopathy With Internal Nuclei And Atypical Cores and no experimental evidence demonstrating its impact on protein function have been reported. No submitters have cited clinical-significance assessments for this variant to ClinVar. Based on the evidence outlined above, the variant was classified as uncertain significance.